The following is an entry in ClinVar:

NM_001032283.3(TMPO):c.357T>G (p.Asp119Glu)

Gene: TMPO (thymopoietin; plus strand). Cytogenetic location: 12q23.1.
Variant type: single nucleotide variant.
Coding change: c.357T>G on transcript NM_001032283.3 (MANE Select); coding-DNA position 357, T replaced by G.
Protein change: p.Asp119Glu; replaces aspartic acid 119 with glutamic acid.
Molecular consequence: missense variant.
Genome position (GRCh38, 1-based): chr12:98,527,963, T>G. VCF-style: chr12-98527963-T-G. GRCh37 (hg19) VCF-style: chr12-98921741-T-G.
Other names: c.357T>G, p.Asp119Glu (NM_001032284.3, NM_001307975.2, NM_003276.2); short protein forms D119E.
Identifiers: ClinVar variation 387399 (VCV000387399.11), dbSNP rs765524061, ClinGen allele CA6732172.

ClinVar aggregate classification (germline): Likely benign. Review status: criteria provided, multiple submitters, no conflicts (2 of 4 stars). 3 submissions from 3 submitters: Likely benign (3). Last evaluated 2025-06-24.

Conditions:
Loeys-Dietz syndrome 2 (LDS2). Also called: AORTIC ANEURYSM, FAMILIAL THORACIC 3; MARFAN SYNDROME, TYPE II; Marfan Syndrome type 2; Marfan like connective tissue disorder; MFS 2; Marfan syndrome, type 2 (formerly). Identifiers: Orphanet 284973, Orphanet 558, MedGen C2674574, MONDO:0012427, OMIM 610168.

Allele frequency attached by ClinVar (database versions not stated): ExAC 0.00016; gnomAD below 0.00001 and 0.00004; gnomAD exomes 0.00011.

Submissions (3):

Labcorp Genetics (formerly Invitae), Labcorp
Classification: Likely benign for Loeys-Dietz syndrome 2. Last evaluated: 2025-06-24. Review status: criteria provided, single submitter. Criteria: Invitae Variant Classification Sherloc (09022015). Collection method: clinical testing. Allele origin: germline.

Ambry Genetics
Classification: Likely benign. Last evaluated: 2025-05-18. Review status: criteria provided, single submitter. Criteria: Ambry Variant Classification Scheme 2023. Collection method: clinical testing. Allele origin: germline.

GeneDx
Classification: Likely benign. Last evaluated: 2017-01-10. Review status: criteria provided, single submitter. Criteria: GeneDx Variant Classification (06012015). Collection method: clinical testing. Allele origin: germline. Affected: yes.
Comment: This variant is considered likely benign or benign based on one or more of the following criteria: it is a conservative change, it occurs at a poorly conserved position in the protein, it is predicted to be benign by multiple in silico algorithms, and/or has population frequency not consistent with disease.